The following is an entry in ClinVar:

ClinVar aggregate classification (germline): Uncertain significance (1 of 4 stars; one submission).

Conditions:
Hereditary cancer-predisposing syndrome. Also called: Hereditary Cancer Syndrome; Hereditary neoplastic syndrome; Neoplastic Syndromes, Hereditary; Tumor predisposition. Identifiers: Orphanet 140162, MedGen C0027672, MeSH D009386, MONDO:0015356.

Submission:

Ambry Genetics
Classification: Uncertain significance for Hereditary cancer-predisposing syndrome. Last evaluated: 2025-07-10. Review status: criteria provided, single submitter. Criteria: Ambry Variant Classification Scheme 2023. Collection method: clinical testing. Allele origin: germline.
Comment: The p.I1209T variant (also known as c.3626T>C), located in coding exon 19 of the BRIP1 gene, results from a T to C substitution at nucleotide position 3626. The isoleucine at codon 1209 is replaced by threonine, an amino acid with similar properties. This amino acid position is conserved. In addition, this alteration is predicted to be tolerated by in silico analysis. Based on the available evidence, the clinical significance of this variant remains unclear.

NM_032043.3(BRIP1):c.3626T>C (p.Ile1209Thr)

Gene: BRIP1 (BRCA1 interacting DNA helicase 1; minus strand). Cytogenetic location: 17q23.2.
Variant type: single nucleotide variant.
Coding change: c.3626T>C on transcript NM_032043.3 (MANE Select); coding-DNA position 3626, T replaced by C.
Protein change: p.Ile1209Thr; replaces isoleucine 1209 with threonine.
Molecular consequence: missense variant.
Genome position (GRCh38, 1-based): chr17:61,683,420, A>G on the plus strand (T>C on the coding strand, the complement: BRIP1 is on the minus strand). VCF-style: chr17-61683420-A-G. GRCh37 (hg19) VCF-style: chr17-59760781-A-G.
Other names: short protein forms I1209T.
Identifiers: ClinVar variation 4216254 (VCV004216254.1).
Genomic context (GRCh38, chr17:61,683,420, plus strand): 5'-ATTTCATGAGTTTTTCCCAGTTCCAGTTCATTTATCCAAGTTGTTTTTACATTACCATCA[A>G]TGTCATCAATTTTACTTTCTTCAATATGCAGAATTCCATTCAACTTTGTATCTATGCAAT-3'
Protein context (NP_114432.2, residues 1199-1219): LHIEESKIDD[Ile1209Thr]DGNVKTTWIN